The following is an entry in ClinVar:

ClinVar aggregate classification (germline): Uncertain significance. Review status: criteria provided, multiple submitters, no conflicts (2 of 4 stars). 3 submissions from 3 submitters: Uncertain significance (3). Last evaluated 2025-07-29.

Conditions:
Hereditary cancer-predisposing syndrome. Also called: Hereditary Cancer Syndrome; Tumor predisposition; Neoplastic Syndromes, Hereditary; Hereditary neoplastic syndrome. Identifiers: Orphanet 140162, MedGen C0027672, MeSH D009386, MONDO:0015356.

Allele frequency attached by ClinVar (database versions not stated): gnomAD exomes below 0.00001; ExAC 0.00001.
gnomAD v4.1: 3 of 1,614,056 alleles (0.00019%); highest among the groups gnomAD compares: Non-Finnish European, 0.00025%; no homozygotes.

Submissions (3):

Labcorp Genetics (formerly Invitae), Labcorp
Classification: Uncertain significance. Last evaluated: 2025-07-29. Review status: criteria provided, single submitter. Criteria: Invitae Variant Classification Sherloc (09022015). Collection method: clinical testing. Allele origin: germline.
Comment: This sequence change replaces glutamic acid, which is acidic and polar, with lysine, which is basic and polar, at codon 89 of the CTNNA1 protein (p.Glu89Lys). This variant is present in population databases (rs780367865, gnomAD 0.0009%). This variant has not been reported in the literature in individuals affected with CTNNA1-related conditions. ClinVar contains an entry for this variant (Variation ID: 1014088). Invitae Evidence Modeling of protein sequence and biophysical properties (such as structural, functional, and spatial information, amino acid conservation, physicochemical variation, residue mobility, and thermodynamic stability) indicates that this missense variant is not expected to disrupt CTNNA1 protein function with a negative predictive value of 80%. In summary, the available evidence is currently insufficient to determine the role of this variant in disease. Therefore, it has been classified as a Variant of Uncertain Significance.

GeneDx
Classification: Uncertain significance. Last evaluated: 2024-08-09. Review status: criteria provided, single submitter. Criteria: GeneDx Variant Classification Process June 2021. Collection method: clinical testing. Allele origin: germline. Affected: yes.
Comment: Not observed at significant frequency in large population cohorts (gnomAD); In silico analysis supports that this missense variant has a deleterious effect on protein structure/function; Has not been previously published as pathogenic or benign to our knowledge

Ambry Genetics
Classification: Uncertain significance for Hereditary cancer-predisposing syndrome. Last evaluated: 2023-08-10. Review status: criteria provided, single submitter. Criteria: Ambry Variant Classification Scheme 2023. Collection method: clinical testing. Allele origin: germline.
Comment: The p.E89K variant (also known as c.265G>A), located in coding exon 2 of the CTNNA1 gene, results from a G to A substitution at nucleotide position 265. The glutamic acid at codon 89 is replaced by lysine, an amino acid with similar properties. This amino acid position is highly conserved in available vertebrate species. In addition, this alteration is predicted to be deleterious by in silico analysis. Since supporting evidence is limited at this time, the clinical significance of this alteration remains unclear.

NM_001903.5(CTNNA1):c.265G>A (p.Glu89Lys)

Gene: CTNNA1 (catenin alpha 1; plus strand). Cytogenetic location: 5q31.2.
Variant type: single nucleotide variant.
Coding change: c.265G>A on transcript NM_001903.5 (MANE Select); coding-DNA position 265, G replaced by A.
Protein change: p.Glu89Lys; replaces glutamic acid 89 with lysine.
Molecular consequence: missense variant. On other transcripts: intron variant (2).
Genome position (GRCh38, 1-based): chr5:138,783,336, G>A. VCF-style: chr5-138783336-G-A. GRCh37 (hg19) VCF-style: chr5-138119025-G-A.
Other names: c.265G>A (NM_001903.2, NM_001903.3); c.265G>A, p.Glu89Lys (NM_001290307.3, NM_001323982.2, NM_001323983.1 and 3 more transcripts); c.-6+64G>A (NM_001290310.3); c.-9+1307G>A (NM_001290309.3); short protein forms E89K.
Identifiers: ClinVar variation 1014088 (VCV001014088.11), dbSNP rs780367865, ClinGen allele CA3431389.